The following is an entry in ClinVar:

NM_003661.4(APOL1):c.335G>A (p.Arg112His)

Gene: APOL1 (apolipoprotein L1; plus strand). Cytogenetic location: 22q12.3.
Variant type: single nucleotide variant.
Coding change: c.335G>A on transcript NM_003661.4 (MANE Select); coding-DNA position 335, G replaced by A.
Protein change: p.Arg112His; replaces arginine 112 with histidine.
Molecular consequence: missense variant.
Genome position (GRCh38, 1-based): chr22:36,265,171, G>A. VCF-style: chr22-36265171-G-A. GRCh37 (hg19) VCF-style: chr22-36661217-G-A.
Other names: c.335G>A, p.Arg112His (NM_001136540.2); c.281G>A, p.Arg94His (NM_001136541.2, NM_001362927.2); c.383G>A, p.Arg128His (NM_145343.3); short protein forms R94H, R112H, R128H.
Identifiers: ClinVar variation 4779849 (VCV004779849.1).
Genomic context (GRCh38, chr22:36,265,171, plus strand): 5'-AAAACTGCATTTCTTAATCCTTTAACCTTTCCTTGTGCAGGAATGAGGCAGATGAGCTCC[G>A]TAAAGCTCTGGACAACCTTGCAAGACAAATGATCATGAAAGACAAAAACTGGCACGATAA-3'
Protein context (NP_003652.2, residues 102-122): ELPRNEADEL[Arg112His]KALDNLARQM

ClinVar aggregate classification (germline): Uncertain significance (1 of 4 stars; one submission).

Submission:

Labcorp Genetics (formerly Invitae), Labcorp
Classification: Uncertain significance. Last evaluated: 2025-06-19. Review status: criteria provided, single submitter. Criteria: Invitae Variant Classification Sherloc (09022015). Collection method: clinical testing. Allele origin: germline.
Comment: This sequence change replaces arginine, which is basic and polar, with histidine, which is basic and polar, at codon 112 of the APOL1 protein (p.Arg112His). This variant is present in population databases (no rsID available, gnomAD 0.009%). This variant has not been reported in the literature in individuals affected with APOL1-related conditions. An algorithm developed to predict the effect of missense changes on protein structure and function outputs the following: PolyPhen-2: "Benign". The histidine amino acid residue is found in multiple mammalian species, which suggests that this missense change does not adversely affect protein function. In summary, the available evidence is currently insufficient to determine the role of this variant in disease. Therefore, it has been classified as a Variant of Uncertain Significance.